The following is an entry in ClinVar:

NM_004415.4(DSP):c.89T>C (p.Val30Ala)

Genes: DSP (desmoplakin; plus strand), DSP-AS1 (DSP antisense RNA 1; minus strand). Cytogenetic location: 6p24.3.
Variant type: single nucleotide variant.
Coding change: c.89T>C on transcript NM_004415.4 (MANE Select); coding-DNA position 89, T replaced by C.
Protein change: p.Val30Ala; replaces valine 30 with alanine.
Molecular consequence: missense variant.
Genome position (GRCh38, 1-based): chr6:7,542,004, T>C. VCF-style: chr6-7542004-T-C. GRCh37 (hg19) VCF-style: chr6-7542237-T-C.
Other names: c.89T>C, p.Val30Ala (NM_001008844.3, NM_001319034.2); short protein forms V30A.
Identifiers: ClinVar variation 920480 (VCV000920480.4), dbSNP rs1757994526, ClinGen allele CA362675753.

ClinVar aggregate classification (germline): Uncertain significance (1 of 4 stars; one submission).

Conditions:
Cardiomyopathy (CMYO). Also called: Cardiomyopathies. Identifiers: Orphanet 167848, MedGen C0878544, MONDO:0004994, HP:0001638. Inheritance: Various modes of inheritance.

Submission:

Color Diagnostics, LLC DBA Color Health
Classification: Uncertain significance for Cardiomyopathy. Last evaluated: 2024-03-07. Review status: criteria provided, single submitter. Criteria: ACMG Guidelines, 2015. Collection method: clinical testing. Allele origin: germline.
Comment: This missense variant replaces valine with alanine at codon 30 of the DSP protein. Computational prediction tool suggests that this variant may not impact protein structure and function (internally defined REVEL score threshold <=0.5, PMID: 27666373). Splice site prediction tools suggest that this variant may not impact RNA splicing. To our knowledge, functional studies have not been performed for this variant. This variant has not been reported in individuals affected with cardiovascular disorders in the literature. This variant has not been identified in the general population by the Genome Aggregation Database (gnomAD). The available evidence is insufficient to determine the role of this variant in disease conclusively. Therefore, this variant is classified as a Variant of Uncertain Significance.